The following is an entry in ClinVar:

NM_002218.5(ITIH4):c.117C>T (p.Thr39=)

Gene: ITIH4 (inter-alpha-trypsin inhibitor heavy chain 4; minus strand). Cytogenetic location: 3p21.1.
Variant type: single nucleotide variant.
Coding change: c.117C>T on transcript NM_002218.5 (MANE Select); coding-DNA position 117, C replaced by T.
Protein change: p.Thr39=; no amino-acid change (threonine 39 retained).
Molecular consequence: synonymous variant.
Genome position (GRCh38, 1-based): chr3:52,829,253, G>A on the plus strand (C>T on the coding strand, the complement: ITIH4 is on the minus strand). VCF-style: chr3-52829253-G-A. GRCh37 (hg19) VCF-style: chr3-52863269-G-A.
Other names: c.117C>T, p.Thr39= (NM_001166449.2).
Identifiers: ClinVar variation 3058395 (VCV003058395.2), dbSNP rs113973204, ClinGen allele CA2449773.

ClinVar aggregate classification (germline): Likely benign (0 of 4 stars; one submission).

Conditions:
ITIH4-related disorder. Also called: ITIH4-related condition.

Allele frequency attached by ClinVar (database versions not stated): ExAC 0.00002; TOPMed 0.00003; gnomAD 0.00008.
gnomAD v4.1: 78 of 1,612,338 alleles (0.0048%); highest among the groups gnomAD compares: African/African-American, 0.021%; no homozygotes.

Submission:

PreventionGenetics, part of Exact Sciences
Classification: Likely benign for ITIH4-related condition. Last evaluated: 2019-04-01. Review status: no assertion criteria provided. Collection method: clinical testing. Allele origin: germline.
Comment: This variant is classified as likely benign based on ACMG/AMP sequence variant interpretation guidelines (Richards et al. 2015 PMID: 25741868, with internal and published modifications).